The following is an entry in ClinVar:

ClinVar aggregate classification (germline): Uncertain significance (1 of 4 stars; one submission).

Conditions:
Hereditary cancer-predisposing syndrome. Also called: Neoplastic Syndromes, Hereditary; Tumor predisposition; Hereditary neoplastic syndrome; Hereditary Cancer Syndrome. Identifiers: Orphanet 140162, MedGen C0027672, MeSH D009386, MONDO:0015356.

Submission:

Ambry Genetics
Classification: Uncertain significance for Hereditary cancer-predisposing syndrome. Last evaluated: 2026-07-07. Review status: criteria provided, single submitter. Criteria: Ambry Variant Classification Scheme 2023. Collection method: clinical testing. Allele origin: germline.
Comment: The p.A174S variant (also known as c.520G>T), located in coding exon 1 of the AXIN2 gene, results from a G to T substitution at nucleotide position 520. The alanine at codon 174 is replaced by serine, an amino acid with similar properties. This amino acid position is conserved. In addition, this alteration is predicted to be tolerated by in silico analysis. Based on the available evidence, the clinical significance of this variant remains unclear.

NM_004655.4(AXIN2):c.520G>T (p.Ala174Ser)

Gene: AXIN2 (axin 2; minus strand). Cytogenetic location: 17q24.1.
Variant type: single nucleotide variant.
Coding change: c.520G>T on transcript NM_004655.4 (MANE Select); coding-DNA position 520, G replaced by T.
Protein change: p.Ala174Ser; replaces alanine 174 with serine.
Molecular consequence: missense variant.
Genome position (GRCh38, 1-based): chr17:65,558,101, C>A on the plus strand (G>T on the coding strand, the complement: AXIN2 is on the minus strand). VCF-style: chr17-65558101-C-A. GRCh37 (hg19) VCF-style: chr17-63554219-C-A.
Other names: c.520G>T, p.Ala174Ser (NM_001363813.1); short protein forms A174S.
Identifiers: ClinVar variation 5032592 (VCV005032592.1).